The following is an entry in ClinVar:

ClinVar aggregate classification (germline): Uncertain significance. Review status: criteria provided, multiple submitters, no conflicts (2 of 4 stars). 2 submissions from 2 submitters: Uncertain significance (2). Last evaluated 2025-07-16.

Conditions:
Inborn genetic diseases. Identifiers: MedGen C0950123, MeSH D030342.

Allele frequency attached by ClinVar (database versions not stated): gnomAD 0.00005; TOPMed 0.00005; ExAC 0.00013; 1000 Genomes Project 30x 0.00016.
gnomAD v4.1: 38 of 1,614,070 alleles (0.0024%); highest among the groups gnomAD compares: East Asian, 0.033%; no homozygotes.

Submissions (2):

Labcorp Genetics (formerly Invitae), Labcorp
Classification: Uncertain significance. Last evaluated: 2025-07-16. Review status: criteria provided, single submitter. Criteria: Invitae Variant Classification Sherloc (09022015). Collection method: clinical testing. Allele origin: germline.
Comment: This sequence change replaces arginine, which is basic and polar, with tryptophan, which is neutral and slightly polar, at codon 242 of the TNFRSF11B protein (p.Arg242Trp). This variant is present in population databases (rs774691067, gnomAD 0.1%). This variant has not been reported in the literature in individuals affected with TNFRSF11B-related conditions. ClinVar contains an entry for this variant (Variation ID: 1493935). Invitae Evidence Modeling of protein sequence and biophysical properties (such as structural, functional, and spatial information, amino acid conservation, physicochemical variation, residue mobility, and thermodynamic stability) indicates that this missense variant is not expected to disrupt TNFRSF11B protein function with a negative predictive value of 80%. In summary, the available evidence is currently insufficient to determine the role of this variant in disease. Therefore, it has been classified as a Variant of Uncertain Significance.

Ambry Genetics
Classification: Uncertain significance for Inborn genetic diseases. Last evaluated: 2023-08-15. Review status: criteria provided, single submitter. Criteria: Ambry Variant Classification Scheme 2023. Collection method: clinical testing. Allele origin: germline.

NM_002546.4(TNFRSF11B):c.724C>T (p.Arg242Trp)

Gene: TNFRSF11B (TNF receptor superfamily member 11b; minus strand). Cytogenetic location: 8q24.12.
Variant type: single nucleotide variant.
Coding change: c.724C>T on transcript NM_002546.4 (MANE Select); coding-DNA position 724, C replaced by T.
Protein change: p.Arg242Trp; replaces arginine 242 with tryptophan.
Molecular consequence: missense variant.
Genome position (GRCh38, 1-based): chr8:118,926,587, G>A on the plus strand (C>T on the coding strand, the complement: TNFRSF11B is on the minus strand). VCF-style: chr8-118926587-G-A. GRCh37 (hg19) VCF-style: chr8-119938826-G-A.
Other names: c.724C>T (NM_002546.3); short protein forms R242W.
Identifiers: ClinVar variation 1493935 (VCV001493935.10), dbSNP rs774691067, ClinGen allele CA4854840.